The following is an entry in ClinVar:

ClinVar aggregate classification (germline): Uncertain significance (1 of 4 stars; one submission).

Conditions:
Inborn genetic diseases. Identifiers: MedGen C0950123, MeSH D030342.

Allele frequency attached by ClinVar (database versions not stated): TOPMed below 0.00001; gnomAD 0.00001; gnomAD exomes 0.00001; ExAC 0.00003.
gnomAD v4.1: 7 of 1,601,650 alleles (0.00044%); highest among the groups gnomAD compares: Admixed American, 0.0071%; no homozygotes.

Submission:

Ambry Genetics
Classification: Uncertain significance for Inborn genetic diseases. Last evaluated: 2023-12-15. Review status: criteria provided, single submitter. Criteria: Ambry Variant Classification Scheme 2023. Collection method: clinical testing. Allele origin: germline.
Comment: The p.A112V variant (also known as c.335C>T), located in coding exon 4 of the ATR gene, results from a C to T substitution at nucleotide position 335. The alanine at codon 112 is replaced by valine, an amino acid with similar properties. This amino acid position is conserved. In addition, the in silico prediction for this alteration is inconclusive. Since supporting evidence is limited at this time, the clinical significance of this alteration remains unclear.

NM_001184.4(ATR):c.335C>T (p.Ala112Val)

Gene: ATR (ATR checkpoint kinase; minus strand). Cytogenetic location: 3q23.
Variant type: single nucleotide variant.
Coding change: c.335C>T on transcript NM_001184.4 (MANE Select); coding-DNA position 335, C replaced by T.
Protein change: p.Ala112Val; replaces alanine 112 with valine.
Molecular consequence: missense variant.
Genome position (GRCh38, 1-based): chr3:142,563,067, G>A on the plus strand (C>T on the coding strand, the complement: ATR is on the minus strand). VCF-style: chr3-142563067-G-A. GRCh37 (hg19) VCF-style: chr3-142281909-G-A.
Other names: c.335C>T, p.Ala112Val (NM_001354579.2); short protein forms A112V.
Identifiers: ClinVar variation 1730592 (VCV001730592.2), dbSNP rs770922481, ClinGen allele CA2650781.